The following is an entry in ClinVar:

NM_013275.6(ANKRD11):c.3306_3309del (p.Lys1103fs)

Gene: ANKRD11 (ankyrin repeat domain containing 11; minus strand). Cytogenetic location: 16q24.3.
Variant type: Deletion.
Coding change: c.3306_3309del on transcript NM_013275.6 (MANE Select); coding-DNA positions 3306 to 3309, 4 bases deleted (AAAA; older notation c.3306_3309delAAAA).
Protein change: p.Lys1103fs; shifts the reading frame from lysine 1103.
Molecular consequence: frameshift variant.
Genome position (GRCh38, 1-based): chr16:89,283,233-89,283,236, TTTT deleted on the plus strand (AAAA on the coding strand, the reverse complement: ANKRD11 is on the minus strand); deleting any 4 consecutive bases within chr16:89,283,233-89,283,240 gives the same sequence; the c. name uses the placement nearest the transcript's 3' end. VCF-style (leftmost placement, unchanged base first): chr16-89283232-CTTTT-C. GRCh37 (hg19) VCF-style: chr16-89349640-CTTTT-C.
Other names: c.3306_3309del, p.Lys1103fs (NM_001256182.2, NM_001256183.2); short protein forms K1103fs.
Identifiers: ClinVar variation 817421 (VCV000817421.1), dbSNP rs772267579, ClinGen allele CA915949426.

ClinVar aggregate classification (germline): Pathogenic (1 of 4 stars; one submission).

Submission:

GeneDx
Classification: Pathogenic. Last evaluated: 2019-01-25. Review status: criteria provided, single submitter. Criteria: GeneDx Variant Classification (06012015). Collection method: clinical testing. Allele origin: germline. Affected: yes.
Comment: The c.3306_3309delAAAA variant in the ANKRD11 gene has been not been reported previously as a pathogenic variant nor as a benign variant, to our knowledge. The c.3306_3309delAAAA variant causes a frameshift starting with codon Lysine 1103, changes this amino acid to a Methionine residue, and creates a premature Stop codon at position 214 of the new reading frame, denoted p.Lys1103MetfsX214. This variant is predicted to cause loss of normal protein function either through protein truncation or nonsense-mediated mRNA decay. The c.3306_3309delAAAA variant is not observed in large population cohorts (Lek et al., 2016). We interpret c.3306_3309delAAAA as a pathogenic variant.